The following is an entry in ClinVar:

ClinVar aggregate classification (germline): Uncertain significance (1 of 4 stars; one submission).

Conditions:
Werner syndrome (WRN). Identifiers: Orphanet 902, MedGen C0043119, MONDO:0010196, OMIM 277700.

Submission:

Labcorp Genetics (formerly Invitae), Labcorp
Classification: Uncertain significance for Werner syndrome. Last evaluated: 2022-09-01. Review status: criteria provided, single submitter. Criteria: Invitae Variant Classification Sherloc (09022015). Collection method: clinical testing. Allele origin: germline.
Comment: This variant is not present in population databases (gnomAD no frequency). In summary, the available evidence is currently insufficient to determine the role of this variant in disease. Therefore, it has been classified as a Variant of Uncertain Significance. Algorithms developed to predict the effect of sequence changes on RNA splicing suggest that this variant may create or strengthen a splice site. Algorithms developed to predict the effect of missense changes on protein structure and function are either unavailable or do not agree on the potential impact of this missense change (SIFT: "Not Available"; PolyPhen-2: "Possibly Damaging"; Align-GVGD: "Not Available"). This variant has not been reported in the literature in individuals affected with WRN-related conditions. This sequence change replaces methionine, which is neutral and non-polar, with arginine, which is basic and polar, at codon 393 of the WRN protein (p.Met393Arg).

NM_000553.6(WRN):c.1178T>G (p.Met393Arg)

Gene: WRN (WRN RecQ like helicase; plus strand). Cytogenetic location: 8p12.
Variant type: single nucleotide variant.
Coding change: c.1178T>G on transcript NM_000553.6 (MANE Select); coding-DNA position 1178, T replaced by G.
Protein change: p.Met393Arg; replaces methionine 393 with arginine.
Molecular consequence: missense variant.
Genome position (GRCh38, 1-based): chr8:31,081,205, T>G. VCF-style: chr8-31081205-T-G. GRCh37 (hg19) VCF-style: chr8-30938721-T-G.
Other names: short protein forms M393R.
Identifiers: ClinVar variation 2008801 (VCV002008801.4), dbSNP rs1322387323, ClinGen allele CA370921118.